The following is an entry in ClinVar:

ClinVar aggregate classification (germline): Uncertain significance (1 of 4 stars; one submission).

Conditions:
Severe combined immunodeficiency, autosomal recessive, T cell-negative, B cell-negative, NK cell-positive. Also called: SCID, T CELL-NEGATIVE, B CELL-NEGATIVE, NK CELL-POSITIVE; SCID, AR, T-cell negative, B-cell negative, NK cell-positive; Severe combined immunodeficiency due to complete RAG1/2 deficiency. Identifiers: Orphanet 331206, MedGen C1832322, MONDO:0011086, OMIM 601457.
Combined immunodeficiency with skin granulomas. Identifiers: Orphanet 157949, MedGen C2673536, MONDO:0009306, OMIM 233650.

Submission:

Labcorp Genetics (formerly Invitae), Labcorp
Classification: Uncertain significance for Combined immunodeficiency with skin granulomas; Severe combined immunodeficiency, autosomal recessive, T cell-negative, B cell-negative, NK cell-positive. Last evaluated: 2022-02-08. Review status: criteria provided, single submitter. Criteria: Invitae Variant Classification Sherloc (09022015). Collection method: clinical testing. Allele origin: germline.
Comment: This sequence change replaces asparagine, which is neutral and polar, with threonine, which is neutral and polar, at codon 268 of the RAG1 protein (p.Asn268Thr). This variant is not present in population databases (gnomAD no frequency). This variant has not been reported in the literature in individuals affected with RAG1-related conditions. Advanced modeling of protein sequence and biophysical properties (such as structural, functional, and spatial information, amino acid conservation, physicochemical variation, residue mobility, and thermodynamic stability) performed at Invitae indicates that this missense variant is not expected to disrupt RAG1 protein function. In summary, the available evidence is currently insufficient to determine the role of this variant in disease. Therefore, it has been classified as a Variant of Uncertain Significance.

NM_000448.3(RAG1):c.803A>C (p.Asn268Thr)

Gene: RAG1 (recombination activating 1; plus strand). Cytogenetic location: 11p12.
Variant type: single nucleotide variant.
Coding change: c.803A>C on transcript NM_000448.3 (MANE Select); coding-DNA position 803, A replaced by C.
Protein change: p.Asn268Thr; replaces asparagine 268 with threonine.
Molecular consequence: missense variant.
Genome position (GRCh38, 1-based): chr11:36,574,107, A>C. VCF-style: chr11-36574107-A-C. GRCh37 (hg19) VCF-style: chr11-36595657-A-C.
Other names: c.803A>C, p.Asn268Thr (NM_001377277.1, NM_001377278.1, NM_001377279.1 and 1 more transcripts); short protein forms N268T.
Identifiers: ClinVar variation 2148418 (VCV002148418.1), dbSNP rs372245240, ClinGen allele CA220600537.